The following is an entry in ClinVar:

ClinVar aggregate classification (germline): Uncertain significance. Review status: criteria provided, multiple submitters, no conflicts (2 of 4 stars). 2 submissions from 2 submitters: Uncertain significance (2). Last evaluated 2026-04-30.

Conditions:
Cardiovascular phenotype. Identifiers: MedGen CN230736.

Submissions (2):

Ambry Genetics
Classification: Uncertain significance for Cardiovascular phenotype. Last evaluated: 2026-04-30. Review status: criteria provided, single submitter. Criteria: Ambry Variant Classification Scheme 2023. Collection method: clinical testing. Allele origin: germline.
Comment: The p.T1093S variant (also known as c.3277A>T), located in coding exon 28 of the RYR2 gene, results from an A to T substitution at nucleotide position 3277. The threonine at codon 1093 is replaced by serine, an amino acid with similar properties. This amino acid position is conserved. In addition, the in silico prediction for this alteration is inconclusive. Based on the available evidence, the clinical significance of this variant remains unclear.

GeneDx
Classification: Uncertain significance. Last evaluated: 2026-01-31. Review status: criteria provided, single submitter. Criteria: GeneDx Variant Classification Process June 2021. Collection method: clinical testing. Allele origin: germline. Affected: yes.
Comment: Not observed at significant frequency in large population cohorts (gnomAD); In silico analysis suggests that this missense variant does not alter protein structure/function; Has not been previously published as pathogenic or benign to our knowledge; Not located in one of the three hot-spot regions of the RYR2 gene, where the majority of pathogenic missense variants occur (PMID: 19926015); This variant is associated with the following publications: (PMID: 19926015)

NM_001035.3(RYR2):c.3277A>T (p.Thr1093Ser)

Gene: RYR2 (ryanodine receptor 2; plus strand). Cytogenetic location: 1q43.
Variant type: single nucleotide variant.
Coding change: c.3277A>T on transcript NM_001035.3 (MANE Select); coding-DNA position 3277, A replaced by T.
Protein change: p.Thr1093Ser; replaces threonine 1093 with serine.
Molecular consequence: missense variant.
Genome position (GRCh38, 1-based): chr1:237,566,629, A>T. VCF-style: chr1-237566629-A-T. GRCh37 (hg19) VCF-style: chr1-237729929-A-T.
Other names: short protein forms T1093S.
Identifiers: ClinVar variation 1320408 (VCV001320408.4), dbSNP rs1672114573, ClinGen allele CA345398104.